The following is an entry in ClinVar:

ClinVar aggregate classification (germline): Pathogenic (1 of 4 stars; one submission).

Submission:

Labcorp Genetics (formerly Invitae), Labcorp
Classification: Pathogenic. Last evaluated: 2023-06-04. Review status: criteria provided, single submitter. Criteria: Invitae Variant Classification Sherloc (09022015). Collection method: clinical testing. Allele origin: germline.
Comment: For these reasons, this variant has been classified as Pathogenic. ClinVar contains an entry for this variant (Variation ID: 1962443). This variant has not been reported in the literature in individuals affected with LAMB3-related conditions. This variant is not present in population databases (gnomAD no frequency). This sequence change creates a premature translational stop signal (p.Arg440Thrfs*69) in the LAMB3 gene. It is expected to result in an absent or disrupted protein product. Loss-of-function variants in LAMB3 are known to be pathogenic (PMID: 11023379, 16473856).

Literature cited by the submitters: PubMed 11023379; PubMed 16473856.

NM_000228.3(LAMB3):c.1319_1322del (p.Arg440fs)

Gene: LAMB3 (laminin subunit beta 3; minus strand). Cytogenetic location: 1q32.2.
Variant type: Deletion.
Coding change: c.1319_1322del on transcript NM_000228.3 (MANE Select); coding-DNA positions 1319 to 1322, 4 bases deleted (GGGA; older notation c.1319_1322delGGGA).
Protein change: p.Arg440fs; shifts the reading frame from arginine 440.
Molecular consequence: frameshift variant.
Genome position (GRCh38, 1-based): chr1:209,627,546-209,627,549, TCCC deleted on the plus strand (GGGA on the coding strand, the reverse complement: LAMB3 is on the minus strand); deleting any 4 consecutive bases within chr1:209,627,546-209,627,552 gives the same sequence; the c. name uses the placement nearest the transcript's 3' end. VCF-style (leftmost placement, unchanged base first): chr1-209627545-GTCCC-G. GRCh37 (hg19) VCF-style: chr1-209800890-GTCCC-G.
Other names: c.1319_1322del, p.Arg440fs (NM_001017402.2, NM_001127641.1); short protein forms R440fs.
Identifiers: ClinVar variation 1962443 (VCV001962443.5), dbSNP rs2464832578, ClinGen allele CA2580062005.